The following is an entry in ClinVar:

NM_000260.4(MYO7A):c.2602G>A (p.Glu868Lys)

Gene: MYO7A (myosin VIIA; plus strand). Cytogenetic location: 11q13.5.
Variant type: single nucleotide variant.
Coding change: c.2602G>A on transcript NM_000260.4 (MANE Select); coding-DNA position 2602, G replaced by A.
Protein change: p.Glu868Lys; replaces glutamic acid 868 with lysine.
Molecular consequence: missense variant.
Genome position (GRCh38, 1-based): chr11:77,180,389, G>A. VCF-style: chr11-77180389-G-A. GRCh37 (hg19) VCF-style: chr11-76891435-G-A.
Other names: c.2602G>A, p.Glu868Lys (NM_001127180.2); c.2569G>A, p.Glu857Lys (NM_001369365.1); c.2602G>A (NM_000260.3); short protein forms E857K, E868K.
Identifiers: ClinVar variation 1369128 (VCV001369128.4), dbSNP rs782679618, ClinGen allele CA6197877.

ClinVar aggregate classification (germline): Uncertain significance. Review status: criteria provided, multiple submitters, no conflicts (2 of 4 stars). 2 submissions from 2 submitters: Uncertain significance (2). Last evaluated 2026-06-24.

Conditions:
Inborn genetic diseases. Identifiers: MedGen C0950123, MeSH D030342.

Allele frequency attached by ClinVar (database versions not stated): gnomAD 0.00002; TOPMed 0.00002; gnomAD exomes 0.00001.
gnomAD v4.1: 12 of 1,612,484 alleles (0.00074%); highest among the groups gnomAD compares: Admixed American, 0.0033%; no homozygotes.

Submissions (2):

Ambry Genetics
Classification: Uncertain significance for Inborn genetic diseases. Last evaluated: 2026-06-24. Review status: criteria provided, single submitter. Criteria: Ambry Variant Classification Scheme 2023. Collection method: clinical testing. Allele origin: germline.

Labcorp Genetics (formerly Invitae), Labcorp
Classification: Uncertain significance. Last evaluated: 2021-11-19. Review status: criteria provided, single submitter. Criteria: Invitae Variant Classification Sherloc (09022015). Collection method: clinical testing. Allele origin: germline.
Comment: This sequence change replaces glutamic acid, which is acidic and polar, with lysine, which is basic and polar, at codon 868 of the MYO7A protein (p.Glu868Lys). This variant is present in population databases (rs782679618, gnomAD 0.006%). This variant has not been reported in the literature in individuals affected with MYO7A-related conditions. Advanced modeling of protein sequence and biophysical properties (such as structural, functional, and spatial information, amino acid conservation, physicochemical variation, residue mobility, and thermodynamic stability) performed at Invitae indicates that this missense variant is not expected to disrupt MYO7A protein function. In summary, the available evidence is currently insufficient to determine the role of this variant in disease. Therefore, it has been classified as a Variant of Uncertain Significance.